The following is an entry in ClinVar:

NM_006231.4(POLE):c.3475C>A (p.Pro1159Thr)

Gene: POLE (DNA polymerase epsilon, catalytic subunit; minus strand). Cytogenetic location: 12q24.33.
Variant type: single nucleotide variant.
Coding change: c.3475C>A on transcript NM_006231.4 (MANE Select); coding-DNA position 3475, C replaced by A.
Protein change: p.Pro1159Thr; replaces proline 1159 with threonine.
Molecular consequence: missense variant.
Genome position (GRCh38, 1-based): chr12:132,657,243, G>T on the plus strand (C>A on the coding strand, the complement: POLE is on the minus strand). VCF-style: chr12-132657243-G-T. GRCh37 (hg19) VCF-style: chr12-133233829-G-T.
Other names: short protein forms P1159T.
Identifiers: ClinVar variation 2704946 (VCV002704946.3), dbSNP rs2138657538, ClinGen allele CA387388774.

ClinVar aggregate classification (germline): Uncertain significance (1 of 4 stars; one submission).

Submission:

Labcorp Genetics (formerly Invitae), Labcorp
Classification: Uncertain significance. Last evaluated: 2023-12-22. Review status: criteria provided, single submitter. Criteria: Invitae Variant Classification Sherloc (09022015). Collection method: clinical testing. Allele origin: germline.
Comment: This sequence change replaces proline, which is neutral and non-polar, with threonine, which is neutral and polar, at codon 1159 of the POLE protein (p.Pro1159Thr). This variant is not present in population databases (gnomAD no frequency). This variant has not been reported in the literature in individuals affected with POLE-related conditions. Advanced modeling of protein sequence and biophysical properties (such as structural, functional, and spatial information, amino acid conservation, physicochemical variation, residue mobility, and thermodynamic stability) has been performed at Invitae for this missense variant, however the output from this modeling did not meet the statistical confidence thresholds required to predict the impact of this variant on POLE protein function. In summary, the available evidence is currently insufficient to determine the role of this variant in disease. Therefore, it has been classified as a Variant of Uncertain Significance.